The following is an entry in ClinVar:

NM_003640.5(ELP1):c.1835T>A (p.Leu612Ter)

Gene: ELP1 (elongator acetyltransferase complex subunit 1; minus strand). Cytogenetic location: 9q31.3.
Variant type: single nucleotide variant.
Coding change: c.1835T>A on transcript NM_003640.5 (MANE Select); coding-DNA position 1835, T replaced by A.
Protein change: p.Leu612Ter; replaces leucine 612 with a stop codon.
Molecular consequence: nonsense.
Genome position (GRCh38, 1-based): chr9:108,902,858, A>T on the plus strand (T>A on the coding strand, the complement: ELP1 is on the minus strand). VCF-style: chr9-108902858-A-T. GRCh37 (hg19) VCF-style: chr9-111665138-A-T.
Other names: c.1493T>A, p.Leu498Ter (NM_001318360.2); c.788T>A, p.Leu263Ter (NM_001330749.2); short protein forms L263*, L498*, L612*.
Identifiers: ClinVar variation 1724248 (VCV001724248.2), dbSNP rs2537905523, ClinGen allele CA374425514.

ClinVar aggregate classification (germline): Likely pathogenic (1 of 4 stars; one submission).

Conditions:
Familial dysautonomia. Also called: HSAN III; FD. Identifiers: Orphanet 1764, MedGen C0013364, MONDO:0009131, OMIM 223900. Disease mechanism: loss of function.

Submission:

Myriad Genetics, Inc.
Classification: Likely pathogenic for Familial dysautonomia. Last evaluated: 2022-02-02. Review status: criteria provided, single submitter. Criteria: Myriad Women's Health Autosomal Recessive and X-Linked Classification Criteria (2021). Collection method: clinical testing. Allele origin: unknown.
Comment: NM_003640.3(ELP1):c.1835T>A(L612*) is expected to be pathogenic in the context of familial dysautonomia. This variant is predicted to lead to an abnormal or absent protein product due to the creation of a premature termination codon in ELP1, a gene where loss-of-function variants are known to be pathogenic. Please note: this variant was assessed in the context of healthy population screening.